The following is an entry in ClinVar:

NM_015466.4(PTPN23):c.3826A>G (p.Met1276Val)

Gene: PTPN23 (protein tyrosine phosphatase non-receptor type 23; plus strand). Cytogenetic location: 3p21.31.
Variant type: single nucleotide variant.
Coding change: c.3826A>G on transcript NM_015466.4 (MANE Select); coding-DNA position 3826, A replaced by G.
Protein change: p.Met1276Val; replaces methionine 1276 with valine.
Molecular consequence: missense variant.
Genome position (GRCh38, 1-based): chr3:47,411,624, A>G. VCF-style: chr3-47411624-A-G. GRCh37 (hg19) VCF-style: chr3-47453114-A-G.
Other names: c.3448A>G, p.Met1150Val (NM_001304482.2); short protein forms M1150V, M1276V.
Identifiers: ClinVar variation 1901372 (VCV001901372.2), dbSNP rs145378871, ClinGen allele CA2366358.

ClinVar aggregate classification (germline): Uncertain significance (1 of 4 stars; one submission).

Allele frequency attached by ClinVar (database versions not stated): gnomAD exomes below 0.00001; TOPMed 0.00003; ESP Exome Variant Server 0.00008.

Submission:

Labcorp Genetics (formerly Invitae), Labcorp
Classification: Uncertain significance. Last evaluated: 2022-08-09. Review status: criteria provided, single submitter. Criteria: Invitae Variant Classification Sherloc (09022015). Collection method: clinical testing. Allele origin: germline.
Comment: This sequence change replaces methionine, which is neutral and non-polar, with valine, which is neutral and non-polar, at codon 1276 of the PTPN23 protein (p.Met1276Val). This variant is present in population databases (rs145378871, gnomAD 0.003%). This variant has not been reported in the literature in individuals affected with PTPN23-related conditions. Algorithms developed to predict the effect of missense changes on protein structure and function are either unavailable or do not agree on the potential impact of this missense change (SIFT: "Tolerated"; PolyPhen-2: "Probably Damaging"; Align-GVGD: "Class C0"). In summary, the available evidence is currently insufficient to determine the role of this variant in disease. Therefore, it has been classified as a Variant of Uncertain Significance.